The following is an entry in ClinVar:

NM_006080.3(SEMA3A):c.1760G>A (p.Gly587Asp)

Gene: SEMA3A (semaphorin 3A; minus strand). Cytogenetic location: 7q21.11.
Variant type: single nucleotide variant.
Coding change: c.1760G>A on transcript NM_006080.3 (MANE Select); coding-DNA position 1760, G replaced by A.
Protein change: p.Gly587Asp; replaces glycine 587 with aspartic acid.
Molecular consequence: missense variant.
Genome position (GRCh38, 1-based): chr7:83,963,305, C>T on the plus strand (G>A on the coding strand, the complement: SEMA3A is on the minus strand). VCF-style: chr7-83963305-C-T. GRCh37 (hg19) VCF-style: chr7-83592621-C-T.
Other names: short protein forms G587D.
Identifiers: ClinVar variation 4990739 (VCV004990739.1).

ClinVar aggregate classification (germline): Uncertain significance (1 of 4 stars; one submission).

Conditions:
SEMA3A-related disorder. Also called: SEMA3A-related condition.

gnomAD v4.1: 1 of 1,613,612 alleles (0.000062%); highest among the groups gnomAD compares: Non-Finnish European, 0.000085%; no homozygotes.

Submission:

PreventionGenetics, part of Exact Sciences
Classification: Uncertain significance for SEMA3A-related condition. Last evaluated: 2025-07-01. Review status: criteria provided, single submitter. Criteria: ACMG Guidelines, 2015. Collection method: clinical testing. Allele origin: germline.
Comment: The SEMA3A c.1760G>A variant is predicted to result in the amino acid substitution p.Gly587Asp. To our knowledge, this variant has not been reported in the literature or in a large population database (gnomAD), indicating this variant is rare. At this time, the clinical significance of this variant is uncertain due to the absence of conclusive functional and genetic evidence.